The following is an entry in ClinVar:

NM_001370298.3(FGD4):c.1247+10G>T

Gene: FGD4 (FYVE, RhoGEF and PH domain containing 4; plus strand). Cytogenetic location: 12p11.21.
Variant type: single nucleotide variant.
Coding change: c.1247+10G>T on transcript NM_001370298.3 (MANE Select); 10 bases into the intron after coding-DNA position 1247, G replaced by T.
Molecular consequence: intron variant.
Genome position (GRCh38, 1-based): chr12:32,601,433, G>T. VCF-style: chr12-32601433-G-T. GRCh37 (hg19) VCF-style: chr12-32754367-G-T.
Other names: p.?; c.1247+10G>T (NM_001384126.1); c.1091+10G>T (NM_001304481.2); c.557+10G>T (NM_001330374.2, NM_001330373.2, NM_001384130.1); c.836+10G>T (NM_139241.3, NM_001384127.1, NM_001385118.1 and 1 more transcripts); c.-216+10G>T (NM_001304484.2); c.284+10G>T (NM_001370297.1); c.92+10G>T (NM_001304483.2).
Identifiers: ClinVar variation 224958 (VCV000224958.33), dbSNP rs41276676, ClinGen allele CA6506724.
Genomic context (GRCh38, chr12:32,601,433, plus strand): 5'-CTTCCATAGTAAATTCCTCTTGCCAGAGCTGGAGAAACGAATGCAAGAATGGTAAGAGGA[G>T]TAGATAGAAAATGATATGTTTAAGGCAGTCATGCTGTATTTTTCAGCTTTTAAATTGAAA-3'

ClinVar aggregate classification (germline): Benign. Review status: criteria provided, multiple submitters, no conflicts (2 of 4 stars). 8 submissions from 8 submitters: Benign (8). Last evaluated 2026-01-27.

Conditions:
Charcot-Marie-Tooth disease type 4H (CMT4H). Also called: CHARCOT-MARIE-TOOTH DISEASE, AUTOSOMAL RECESSIVE, TYPE 4H; CHARCOT-MARIE-TOOTH DISEASE, DEMYELINATING, AUTOSOMAL RECESSIVE, TYPE 4H; CHARCOT-MARIE-TOOTH NEUROPATHY, TYPE 4H; CHARCOT-MARIE-TOOTH DISEASE, DEMYELINATING, TYPE 4H. Identifiers: Orphanet 99954, MedGen C1836336, MONDO:0012250, OMIM 609311.
Charcot-Marie-Tooth disease. Also called: Charcot-Marie-Tooth Hereditary Neuropathy; Charcot-Marie-Tooth Neuropathy. Identifiers: Orphanet 166, MedGen C0007959, MONDO:0015626.
Charcot-Marie-Tooth disease type 4. Also called: Charcot-Marie-Tooth disease, type IV; Charcot-Marie-Tooth, Type 4. Identifiers: Orphanet 64749, MedGen C4082197, MONDO:0018995.

Allele frequency attached by ClinVar (database versions not stated): 1000 Genomes Project 0.00280; 1000 Genomes Project 30x 0.00281; TOPMed 0.00624; gnomAD 0.00772 and 0.00792; gnomAD exomes 0.00851; ESP Exome Variant Server 0.00877; ExAC 0.00896.
gnomAD v4.1: 17,384 of 1,610,558 alleles (1.1%); highest among the groups gnomAD compares: Non-Finnish European, 1.3%; 120 homozygotes.

Submissions (8):

Labcorp Genetics (formerly Invitae), Labcorp
Classification: Benign for Charcot-Marie-Tooth disease type 4. Last evaluated: 2026-01-27. Review status: criteria provided, single submitter. Criteria: Invitae Variant Classification Sherloc (09022015). Collection method: clinical testing. Allele origin: germline.

ARUP Laboratories, Molecular Genetics and Genomics, ARUP Laboratories
Classification: Benign for Charcot-Marie-Tooth disease type 4H. Last evaluated: 2025-07-09. Review status: criteria provided, single submitter. Criteria: ARUP Molecular Germline Variant Investigation Process 2024. Collection method: clinical testing. Allele origin: germline.

Illumina Laboratory Services, Illumina
Classification: Benign for Charcot-Marie-Tooth disease type 4H. Last evaluated: 2018-01-13. Review status: criteria provided, single submitter. Criteria: ICSL Variant Classification Criteria 13 December 2019. Collection method: clinical testing. Allele origin: germline.
Comment: This variant was observed in the ICSL laboratory as part of a predisposition screen in an ostensibly healthy population. It had not been previously curated by ICSL or reported in the Human Gene Mutation Database (HGMD: prior to June 1st, 2018), and was therefore a candidate for classification through an automated scoring system. Utilizing variant allele frequency, disease prevalence and penetrance estimates, and inheritance mode, an automated score was calculated to assess if this variant is too frequent to cause the disease. Based on the score and internal cut-off values, a variant classified as benign is not then subjected to further curation. The score for this variant resulted in a classification of benign for this disease.

Athena Diagnostics
Classification: Benign. Last evaluated: 2017-12-12. Review status: criteria provided, single submitter. Criteria: Athena Diagnostics Criteria. Collection method: clinical testing. Allele origin: germline.

Mayo Clinic Laboratories, Mayo Clinic
Classification: Benign. Last evaluated: 2016-04-20. Review status: criteria provided, single submitter. Criteria: ACMG Guidelines, 2015. Collection method: clinical testing. Allele origin: germline. Observed: 47 variant alleles.

GeneDx
Classification: Benign. Last evaluated: 2015-03-03. Review status: criteria provided, single submitter. Criteria: GeneDx Variant Classification Process June 2021. Collection method: clinical testing. Allele origin: germline. Affected: yes.

Breakthrough Genomics
Classification: Benign. Review status: criteria provided, single submitter. Criteria: ACMG Guidelines, 2015. Collection method: not provided. Allele origin: germline. Inheritance: Autosomal recessive inheritance. Affected: yes.

Molecular Genetics Laboratory, London Health Sciences Centre
Classification: Benign for Charcot-Marie-Tooth disease. Review status: criteria provided, single submitter. Criteria: ACMG Guidelines, 2015. Collection method: clinical testing. Allele origin: germline. Affected: yes.